The following is an entry in ClinVar:

ClinVar aggregate classification (germline): Uncertain significance (1 of 4 stars; one submission).

Conditions:
Familial cold autoinflammatory syndrome 2 (FCAS2). Identifiers: Orphanet 247868, MedGen C2673198, MONDO:0012724, OMIM 611762.

Submission:

Labcorp Genetics (formerly Invitae), Labcorp
Classification: Uncertain significance for Familial cold autoinflammatory syndrome 2. Last evaluated: 2024-06-25. Review status: criteria provided, single submitter. Criteria: Invitae Variant Classification Sherloc (09022015). Collection method: clinical testing. Allele origin: germline.
Comment: This sequence change replaces lysine, which is basic and polar, with arginine, which is basic and polar, at codon 914 of the NLRP12 protein (p.Lys914Arg). This variant is not present in population databases (gnomAD no frequency). This variant has not been reported in the literature in individuals affected with NLRP12-related conditions. Algorithms developed to predict the effect of missense changes on protein structure and function output the following: SIFT: "Not Available"; PolyPhen-2: "Benign"; Align-GVGD: "Not Available". The arginine amino acid residue is found in multiple mammalian species, which suggests that this missense change does not adversely affect protein function. In summary, the available evidence is currently insufficient to determine the role of this variant in disease. Therefore, it has been classified as a Variant of Uncertain Significance.

NM_144687.4(NLRP12):c.2741A>G (p.Lys914Arg)

Gene: NLRP12 (NLR family pyrin domain containing 12; minus strand). Cytogenetic location: 19q13.42.
Variant type: single nucleotide variant.
Coding change: c.2741A>G on transcript NM_144687.4 (MANE Select); coding-DNA position 2741, A replaced by G.
Protein change: p.Lys914Arg; replaces lysine 914 with arginine.
Molecular consequence: missense variant.
Genome position (GRCh38, 1-based): chr19:53,801,242, T>C on the plus strand (A>G on the coding strand, the complement: NLRP12 is on the minus strand). VCF-style: chr19-53801242-T-C. GRCh37 (hg19) VCF-style: chr19-54304496-T-C.
Other names: c.2744A>G, p.Lys915Arg (NM_001277126.2); c.2741A>G, p.Lys914Arg (NM_001277129.1); short protein forms K915R, K914R.
Identifiers: ClinVar variation 2790566 (VCV002790566.3), dbSNP rs2514255369, ClinGen allele CA407408139.